The following is an entry in ClinVar:

ClinVar aggregate classification (germline): Pathogenic (1 of 4 stars; one submission).

Conditions:
Fanconi anemia (FA). Also called: Fanconi's anemia. Identifiers: Orphanet 84, MedGen C0015625, MeSH D005199, MONDO:0019391.

gnomAD v4.1: 3 of 1,614,260 alleles (0.00019%); highest among the groups gnomAD compares: South Asian, 0.0011%; no homozygotes.

Submission:

Labcorp Genetics (formerly Invitae), Labcorp
Classification: Pathogenic for Fanconi anemia. Last evaluated: 2024-03-11. Review status: criteria provided, single submitter. Criteria: Invitae Variant Classification Sherloc (09022015). Collection method: clinical testing. Allele origin: germline.
Comment: This sequence change creates a premature translational stop signal (p.Cys12*) in the FANCL gene. It is expected to result in an absent or disrupted protein product. Loss-of-function variants in FANCL are known to be pathogenic (PMID: 19405097, 23613520). This variant is not present in population databases (gnomAD no frequency). This variant has not been reported in the literature in individuals affected with FANCL-related conditions. ClinVar contains an entry for this variant (Variation ID: 841734). For these reasons, this variant has been classified as Pathogenic.

Literature cited by the submitters: PubMed 19405097; PubMed 23613520.

NM_018062.4(FANCL):c.36C>A (p.Cys12Ter)

Gene: FANCL (FA complementation group L; minus strand). Cytogenetic location: 2p16.1.
Variant type: single nucleotide variant.
Coding change: c.36C>A on transcript NM_018062.4 (MANE Select); coding-DNA position 36, C replaced by A.
Protein change: p.Cys12Ter; replaces cysteine 12 with a stop codon.
Molecular consequence: nonsense.
Genome position (GRCh38, 1-based): chr2:58,241,278, G>T on the plus strand (C>A on the coding strand, the complement: FANCL is on the minus strand). VCF-style: chr2-58241278-G-T. GRCh37 (hg19) VCF-style: chr2-58468413-G-T.
Other names: c.36C>A, p.Cys12Ter (NM_001114636.2, NM_001374615.1, NM_001410792.1); short protein forms C12*.
Identifiers: ClinVar variation 841734 (VCV000841734.8), dbSNP rs756487177, ClinGen allele CA347035163.